The following is an entry in ClinVar:

ClinVar aggregate classification (germline): Uncertain significance (1 of 4 stars; one submission).

Conditions:
Familial cancer of breast. Also called: BREAST CANCER, FAMILIAL; Hereditary breast cancer; hereditary breast carcinoma. Identifiers: Orphanet 227535, MedGen C0346153, MONDO:0016419, OMIM 114480. Disease mechanism: loss of function.

Submission:

Labcorp Genetics (formerly Invitae), Labcorp
Classification: Uncertain significance for Familial cancer of breast. Last evaluated: 2022-11-01. Review status: criteria provided, single submitter. Criteria: Invitae Variant Classification Sherloc (09022015). Collection method: clinical testing. Allele origin: germline.
Comment: In summary, the available evidence is currently insufficient to determine the role of this variant in disease. Therefore, it has been classified as a Variant of Uncertain Significance. Advanced modeling of protein sequence and biophysical properties (such as structural, functional, and spatial information, amino acid conservation, physicochemical variation, residue mobility, and thermodynamic stability) performed at Invitae indicates that this missense variant is not expected to disrupt PALB2 protein function. ClinVar contains an entry for this variant (Variation ID: 936534). This variant has not been reported in the literature in individuals affected with PALB2-related conditions. This variant is not present in population databases (gnomAD no frequency). This sequence change replaces lysine, which is basic and polar, with glutamic acid, which is acidic and polar, at codon 480 of the PALB2 protein (p.Lys480Glu).

NM_024675.4(PALB2):c.1438A>G (p.Lys480Glu)

Gene: PALB2 (partner and localizer of BRCA2; minus strand). Cytogenetic location: 16p12.2.
Variant type: single nucleotide variant.
Coding change: c.1438A>G on transcript NM_024675.4 (MANE Select); coding-DNA position 1438, A replaced by G.
Protein change: p.Lys480Glu; replaces lysine 480 with glutamic acid.
Molecular consequence: missense variant.
Genome position (GRCh38, 1-based): chr16:23,635,108, T>C on the plus strand (A>G on the coding strand, the complement: PALB2 is on the minus strand). VCF-style: chr16-23635108-T-C. GRCh37 (hg19) VCF-style: chr16-23646429-T-C.
Other names: short protein forms K480E.
Identifiers: ClinVar variation 936534 (VCV000936534.10), dbSNP rs1057520653, ClinGen allele CA395131272.
Genomic context (GRCh38, chr16:23,635,108, plus strand): 5'-ACAAGTCATTATCTTCAGTGGGCCCAGCGGGAGAGCTGACTTTAGTTAATGAGAGAAGTT[T>C]CTGAGAGGTTCTTGAACTTGGTTGTCCTGTGCATGTGCCAGACATCCTAATTTCACTTTG-3'
Protein context (NP_078951.2, residues 470-490): TGQPSSRTSQ[Lys480Glu]LLSLTKVSSP